The following is an entry in ClinVar:

ClinVar aggregate classification (germline): Uncertain significance (1 of 4 stars; one submission).

Conditions:
PLXNA4-related disorder. Also called: PLXNA4-related condition.

Submission:

PreventionGenetics, part of Exact Sciences
Classification: Uncertain significance for PLXNA4-related condition. Last evaluated: 2025-07-14. Review status: criteria provided, single submitter. Criteria: ACMG Guidelines, 2015. Collection method: clinical testing. Allele origin: germline.
Comment: The PLXNA4 c.4739G>T variant is predicted to result in the amino acid substitution p.Arg1580Leu. To our knowledge, this variant has not been reported in the literature or in a large population database (gnomAD), indicating this variant is rare. At this time, the clinical significance of this variant is uncertain due to the absence of conclusive functional and genetic evidence.

NM_020911.2(PLXNA4):c.4739G>T (p.Arg1580Leu)

Gene: PLXNA4 (plexin A4; minus strand). Cytogenetic location: 7q32.3.
Variant type: single nucleotide variant.
Coding change: c.4739G>T on transcript NM_020911.2 (MANE Select); coding-DNA position 4739, G replaced by T.
Protein change: p.Arg1580Leu; replaces arginine 1580 with leucine.
Molecular consequence: missense variant.
Genome position (GRCh38, 1-based): chr7:132,148,568, C>A on the plus strand (G>T on the coding strand, the complement: PLXNA4 is on the minus strand). VCF-style: chr7-132148568-C-A. GRCh37 (hg19) VCF-style: chr7-131833327-C-A.
Other names: c.4739G>T, p.Arg1580Leu (NM_001393897.1); short protein forms R1580L.
Identifiers: ClinVar variation 3055160 (VCV003055160.3), dbSNP rs375808893, ClinGen allele CA369310614.